The following is an entry in ClinVar:

NM_003184.4(TAF2):c.3578G>A (p.Arg1193His)

Gene: TAF2 (TATA-box binding protein associated factor 2; minus strand). Cytogenetic location: 8q24.12.
Variant type: single nucleotide variant.
Coding change: c.3578G>A on transcript NM_003184.4 (MANE Select); coding-DNA position 3578, G replaced by A.
Protein change: p.Arg1193His; replaces arginine 1193 with histidine.
Molecular consequence: missense variant.
Genome position (GRCh38, 1-based): chr8:119,731,946, C>T on the plus strand (G>A on the coding strand, the complement: TAF2 is on the minus strand). VCF-style: chr8-119731946-C-T. GRCh37 (hg19) VCF-style: chr8-120744186-C-T.
Other names: short protein forms R1193H.
Identifiers: ClinVar variation 2508650 (VCV002508650.4), dbSNP rs755760670, ClinGen allele CA4856768.

ClinVar aggregate classification (germline): Uncertain significance. Review status: criteria provided, multiple submitters, no conflicts (2 of 4 stars). 2 submissions from 2 submitters: Uncertain significance (2). Last evaluated 2023-08-07.

Conditions:
Inborn genetic diseases. Identifiers: MedGen C0950123, MeSH D030342.

Allele frequency attached by ClinVar (database versions not stated): gnomAD exomes 0.00003; ExAC 0.00004; gnomAD 0.00018; TOPMed 0.00022.
gnomAD v4.1: 71 of 1,614,014 alleles (0.0044%); highest among the groups gnomAD compares: Admixed American, 0.037%; no homozygotes.

Submissions (2):

Labcorp Genetics (formerly Invitae), Labcorp
Classification: Uncertain significance. Last evaluated: 2023-08-07. Review status: criteria provided, single submitter. Criteria: Invitae Variant Classification Sherloc (09022015). Collection method: clinical testing. Allele origin: germline.
Comment: In summary, the available evidence is currently insufficient to determine the role of this variant in disease. Therefore, it has been classified as a Variant of Uncertain Significance. Algorithms developed to predict the effect of missense changes on protein structure and function output the following: SIFT: "Not Available"; PolyPhen-2: "Benign"; Align-GVGD: "Not Available". The histidine amino acid residue is found in multiple mammalian species, which suggests that this missense change does not adversely affect protein function. ClinVar contains an entry for this variant (Variation ID: 2508650). This variant has not been reported in the literature in individuals affected with TAF2-related conditions. This variant is present in population databases (rs755760670, gnomAD 0.02%). This sequence change replaces arginine, which is basic and polar, with histidine, which is basic and polar, at codon 1193 of the TAF2 protein (p.Arg1193His).

Ambry Genetics
Classification: Uncertain significance for Inborn genetic diseases. Last evaluated: 2023-03-21. Review status: criteria provided, single submitter. Criteria: Ambry Variant Classification Scheme 2023. Collection method: clinical testing. Allele origin: germline.